The following is an entry in ClinVar:

ClinVar aggregate classification (germline): Uncertain significance (1 of 4 stars; one submission).

Allele frequency attached by ClinVar (database versions not stated): gnomAD exomes below 0.00001; ExAC 0.00001.
gnomAD v4.1: 2 of 1,613,946 alleles (0.00012%); highest among the groups gnomAD compares: Non-Finnish European, 0.00017%; no homozygotes.

Submission:

Labcorp Genetics (formerly Invitae), Labcorp
Classification: Uncertain significance. Last evaluated: 2022-07-26. Review status: criteria provided, single submitter. Criteria: Invitae Variant Classification Sherloc (09022015). Collection method: clinical testing. Allele origin: germline.
Comment: This sequence change replaces aspartic acid, which is acidic and polar, with histidine, which is basic and polar, at codon 37 of the DRAM2 protein (p.Asp37His). This variant is present in population databases (rs750197912, gnomAD 0.0009%). This variant has not been reported in the literature in individuals affected with DRAM2-related conditions. ClinVar contains an entry for this variant (Variation ID: 1478984). Algorithms developed to predict the effect of missense changes on protein structure and function are either unavailable or do not agree on the potential impact of this missense change (SIFT: "Tolerated"; PolyPhen-2: "Probably Damaging"; Align-GVGD: "Class C0"). In summary, the available evidence is currently insufficient to determine the role of this variant in disease. Therefore, it has been classified as a Variant of Uncertain Significance.

NM_001349884.2(DRAM2):c.109G>C (p.Asp37His)

Gene: DRAM2 (DNA damage regulated autophagy modulator 2; minus strand). Cytogenetic location: 1p13.3.
Variant type: single nucleotide variant.
Coding change: c.109G>C on transcript NM_001349884.2 (MANE Select); coding-DNA position 109, G replaced by C.
Protein change: p.Asp37His; replaces aspartic acid 37 with histidine.
Molecular consequence: missense variant. On other transcripts: 5 prime UTR variant (8), non-coding transcript variant (8).
Genome position (GRCh38, 1-based): chr1:111,131,446, C>G on the plus strand (G>C on the coding strand, the complement: DRAM2 is on the minus strand). VCF-style: chr1-111131446-C-G. GRCh37 (hg19) VCF-style: chr1-111674068-C-G.
Other names: c.109G>C, p.Asp37His (NM_001349881.2, NM_001349882.2, NM_001349885.2 and 1 more transcripts); c.-50G>C (NM_001349886.2, NM_001349887.2, NM_001349888.2); c.-142G>C (NM_001349889.2, NM_001349890.2, NM_001349892.2 and 1 more transcripts); c.-310G>C (NM_001349891.2); short protein forms D37H.
Identifiers: ClinVar variation 1478984 (VCV001478984.6), dbSNP rs750197912, ClinGen allele CA1001953.
Genomic context (GRCh38, chr1:111,131,446, plus strand): 5'-ATAAAGAGTCTCCTATACAAAGAATACATTTCACTTACCTGATATAAGGTAAAGCCGGGT[C>G]TATATGGTGGAGTGTTACTGCAGTAATGTATGAAAATATGAAAGCAGCAGATGTCCAAAT-3'
Protein context (NP_001336813.1, residues 27-47): YITAVTLHHI[Asp37His]PALPYISDTG